The following is an entry in ClinVar:

ClinVar aggregate classification (germline): Uncertain significance. Review status: criteria provided, multiple submitters, no conflicts (2 of 4 stars). 3 submissions from 3 submitters: Uncertain significance (3). Last evaluated 2025-11-14.

Conditions:
Marfan syndrome (MFS). Also called: FBN1-Related Marfan Syndrome; MARFAN SYNDROME, TYPE I; Marfan syndrome type 1; Marfan's syndrome; Marfan syndrome, classic. Identifiers: Orphanet 284963, Orphanet 558, MedGen C0024796, MONDO:0007947, OMIM 154700.
Ectopia lentis 1, isolated, autosomal dominant (ECTOL1). Identifiers: Orphanet 1885, MedGen C3541518, MONDO:0007514, OMIM 129600.
Familial thoracic aortic aneurysm and aortic dissection (TAAD). Also called: Thoracic aortic aneurysms and dissections. Identifiers: Orphanet 91387, MedGen C4707243, MONDO:0019625.

Submissions (3):

3billion
Classification: Uncertain significance for Marfan syndrome. Last evaluated: 2025-11-14. Review status: criteria provided, single submitter. Criteria: ACMG Guidelines, 2015. Collection method: clinical testing. Allele origin: germline. Affected: yes.
Comment: The variant is not observed in the gnomAD v4.1.0 dataset. Predicted Consequence/Location: Missense variant Damaging effect on gene or gene product predicted by in silico programs is uncertain [REVEL: 0.46 (damaging >=0.6, benign <0.4)]. The variant has been reported as of uncertain significance (ClinVar ID: VCV001029663). Different missense changes at the same codon have been reported as of uncertain significance (ClinVar ID: VCV000979124). Therefore, this variant is classified as VUS according to the recommendation of ACMG/AMP guideline.

Labcorp Genetics (formerly Invitae), Labcorp
Classification: Uncertain significance for Marfan syndrome; Familial thoracic aortic aneurysm and aortic dissection. Last evaluated: 2021-05-03. Review status: criteria provided, single submitter. Criteria: Invitae Variant Classification Sherloc (09022015). Collection method: clinical testing. Allele origin: germline.
Comment: In summary, the available evidence is currently insufficient to determine the role of this variant in disease. Therefore, it has been classified as a Variant of Uncertain Significance. Advanced modeling of protein sequence and biophysical properties (such as structural, functional, and spatial information, amino acid conservation, physicochemical variation, residue mobility, and thermodynamic stability) performed at Invitae indicates that this missense variant is not expected to disrupt FBN1 protein function. This variant has been observed in individual(s) with clinical features of Marfan syndrome (Invitae). ClinVar contains an entry for this variant (Variation ID: 1029663). This variant is not present in population databases (ExAC no frequency). This sequence change replaces serine with cysteine at codon 438 of the FBN1 protein (p.Ser438Cys). The serine residue is moderately conserved and there is a moderate physicochemical difference between serine and cysteine.

Baylor Genetics
Classification: Uncertain significance for Ectopia lentis 1, isolated, autosomal dominant. Last evaluated: 2020-07-15. Review status: criteria provided, single submitter. Criteria: ACMG Guidelines, 2015. Collection method: clinical testing. Allele origin: unknown. Affected: yes.
Comment: This variant was determined to be of uncertain significance according to ACMG Guidelines, 2015 [PMID:25741868].

NM_000138.5(FBN1):c.1313C>G (p.Ser438Cys)

Gene: FBN1 (fibrillin 1; minus strand). Cytogenetic location: 15q21.1.
Variant type: single nucleotide variant.
Coding change: c.1313C>G on transcript NM_000138.5 (MANE Select); coding-DNA position 1313, C replaced by G.
Protein change: p.Ser438Cys; replaces serine 438 with cysteine.
Molecular consequence: missense variant.
Genome position (GRCh38, 1-based): chr15:48,516,197, G>C on the plus strand (C>G on the coding strand, the complement: FBN1 is on the minus strand). VCF-style: chr15-48516197-G-C. GRCh37 (hg19) VCF-style: chr15-48808394-G-C.
Other names: short protein forms S438C.
Identifiers: ClinVar variation 1029663 (VCV001029663.10), dbSNP rs2043799037, ClinGen allele CA392345203.